The following is an entry in ClinVar:

ClinVar aggregate classification (germline): Uncertain significance (1 of 4 stars; one submission).

Conditions:
Neurofibromatosis, type 1 (NF1). Also called: VON RECKLINGHAUSEN DISEASE; Peripheral type neurofibromatosis; NEUROFIBROMATOSIS, TYPE I, SOMATIC; Neurofibromatosis, type I. Identifiers: Orphanet 636, MedGen C0027831, MONDO:0018975, OMIM 162200. Disease mechanism: loss of function.

Submission:

Labcorp Genetics (formerly Invitae), Labcorp
Classification: Uncertain significance for Neurofibromatosis, type 1. Last evaluated: 2024-07-10. Review status: criteria provided, single submitter. Criteria: Invitae Variant Classification Sherloc (09022015). Collection method: clinical testing. Allele origin: germline.
Comment: This sequence change replaces glutamic acid, which is acidic and polar, with valine, which is neutral and non-polar, at codon 1266 of the NF1 protein (p.Glu1266Val). This variant is not present in population databases (gnomAD no frequency). This variant has not been reported in the literature in individuals affected with NF1-related conditions. Advanced modeling of protein sequence and biophysical properties (such as structural, functional, and spatial information, amino acid conservation, physicochemical variation, residue mobility, and thermodynamic stability) performed at Invitae indicates that this missense variant is expected to disrupt NF1 protein function with a positive predictive value of 95%. In summary, the available evidence is currently insufficient to determine the role of this variant in disease. Therefore, it has been classified as a Variant of Uncertain Significance.

NM_001042492.3(NF1):c.3797A>T (p.Glu1266Val)

Gene: NF1 (neurofibromin 1; plus strand). Cytogenetic location: 17q11.2.
Variant type: single nucleotide variant.
Coding change: c.3797A>T on transcript NM_001042492.3 (MANE Select); coding-DNA position 3797, A replaced by T.
Protein change: p.Glu1266Val; replaces glutamic acid 1266 with valine.
Molecular consequence: missense variant.
Genome position (GRCh38, 1-based): chr17:31,235,699, A>T. VCF-style: chr17-31235699-A-T. GRCh37 (hg19) VCF-style: chr17-29562717-A-T.
Other names: c.3797A>T, p.Glu1266Val (NM_000267.4); short protein forms E1266V.
Identifiers: ClinVar variation 3634539 (VCV003634539.2).